The following is an entry in ClinVar:

ClinVar aggregate classification (germline): Uncertain significance (1 of 4 stars; one submission).

Conditions:
Supravalvar aortic stenosis (SVAS). Also called: Supravalvar aortic stenosis, Eisenberg type. Identifiers: Orphanet 3193, MedGen C0003499, MONDO:0008504, OMIM 185500, HP:0004381.

gnomAD v4.1: 1 of 1,614,076 alleles (0.000062%); highest among the groups gnomAD compares: Admixed American, 0.0017%; no homozygotes.

Submission:

Labcorp Genetics (formerly Invitae), Labcorp
Classification: Uncertain significance for Supravalvar aortic stenosis. Last evaluated: 2024-04-03. Review status: criteria provided, single submitter. Criteria: Invitae Variant Classification Sherloc (09022015). Collection method: clinical testing. Allele origin: germline.
Comment: This sequence change replaces alanine, which is neutral and non-polar, with threonine, which is neutral and polar, at codon 349 of the ELN protein (p.Ala349Thr). This variant is present in population databases (no rsID available, gnomAD 0.003%). This variant has not been reported in the literature in individuals affected with ELN-related conditions. Advanced modeling of protein sequence and biophysical properties (such as structural, functional, and spatial information, amino acid conservation, physicochemical variation, residue mobility, and thermodynamic stability) performed at Invitae indicates that this missense variant is not expected to disrupt ELN protein function with a negative predictive value of 80%. In summary, the available evidence is currently insufficient to determine the role of this variant in disease. Therefore, it has been classified as a Variant of Uncertain Significance.

NM_000501.4(ELN):c.1045G>A (p.Ala349Thr)

Gene: ELN (elastin; plus strand). Cytogenetic location: 7q11.23.
Variant type: single nucleotide variant.
Coding change: c.1045G>A on transcript NM_000501.4 (MANE Select); coding-DNA position 1045, G replaced by A.
Protein change: p.Ala349Thr; replaces alanine 349 with threonine.
Molecular consequence: missense variant.
Genome position (GRCh38, 1-based): chr7:74,053,258, G>A. VCF-style: chr7-74053258-G-A. GRCh37 (hg19) VCF-style: chr7-73467588-G-A.
Other names: c.1015G>A, p.Ala339Thr (NM_001081752.3, NM_001278917.2); c.1060G>A, p.Ala354Thr (NM_001081753.3, NM_001081754.3); c.1045G>A, p.Ala349Thr (NM_001081755.3, NM_001278912.2, NM_001278915.2 and 1 more transcripts); c.937G>A, p.Ala313Thr (NM_001278913.2); c.1030G>A, p.Ala344Thr (NM_001278914.2); c.1003G>A, p.Ala335Thr (NM_001278916.2); c.913G>A, p.Ala305Thr (NM_001278918.2); short protein forms A335T, A349T, A354T, A305T, A344T, A313T, A339T.
Identifiers: ClinVar variation 3704451 (VCV003704451.2).
Genomic context (GRCh38, chr7:74,053,258, plus strand): 5'-TTTGGCCCGGGAGTAGTTGGTGTCCCAGGAGCTGGCGTTCCAGGTGTTGGTGTCCCAGGA[G>A]CTGGGATTCCAGTTGTCCCAGGTGCTGGGATCCCAGGTGCTGCGGTTCCAGGTGAGCTGG-3'
Protein context (NP_000492.2, residues 339-359): AGVPGVGVPG[Ala349Thr]GIPVVPGAGI